The following is an entry in ClinVar:

ClinVar aggregate classification (germline): Benign/Likely benign. Review status: criteria provided, multiple submitters, no conflicts (2 of 4 stars). 5 submissions from 5 submitters: Benign (2); Likely benign (2). 1 of the submissions does not count toward it. Last evaluated 2025-12-09.

Conditions:
Inborn genetic diseases. Identifiers: MedGen C0950123, MeSH D030342.
ASXL1-related disorder. Also called: ASXL1-related disorders; ASXL1-related condition.
Bohring-Opitz syndrome. Also called: OPITZ TRIGONOCEPHALY-LIKE SYNDROME; C-LIKE SYNDROME; BOHRING SYNDROME; ASXL1-Related Bohring-Opitz Syndrome. Identifiers: Orphanet 97297, MedGen C0796232, MONDO:0011510, OMIM 605039.

Allele frequency attached by ClinVar (database versions not stated): ExAC 0.00008; ESP Exome Variant Server 0.00031; gnomAD 0.00031 and 0.00032; TOPMed 0.00040; 1000 Genomes Project 30x 0.00047; 1000 Genomes Project 0.00060; gnomAD exomes 0.00002 and 0.00006.
gnomAD v4.1: 81 of 1,614,100 alleles (0.005%); highest among the groups gnomAD compares: African/African-American, 0.1%; no homozygotes.

Submissions (5):

Labcorp Genetics (formerly Invitae), Labcorp
Classification: Likely benign. Last evaluated: 2025-12-09. Review status: criteria provided, single submitter. Criteria: Invitae Variant Classification Sherloc (09022015). Collection method: clinical testing. Allele origin: germline.

Ambry Genetics
Classification: Likely benign for Inborn genetic diseases. Last evaluated: 2024-10-17. Review status: criteria provided, single submitter. Criteria: Ambry Variant Classification Scheme 2023. Collection method: clinical testing. Allele origin: germline.

Genome-Nilou Lab
Classification: Benign for Bohring-Opitz syndrome. Last evaluated: 2021-12-05. Review status: criteria provided, single submitter. Criteria: ACMG Guidelines, 2015. Collection method: clinical testing. Allele origin: germline. Affected: no.

GeneDx
Classification: Benign. Last evaluated: 2020-09-08. Review status: criteria provided, single submitter. Criteria: GeneDx Variant Classification Process June 2021. Collection method: clinical testing. Allele origin: germline. Affected: yes.

PreventionGenetics, part of Exact Sciences
Classification: Likely benign for ASXL1-related condition. Last evaluated: 2022-10-03. Review status: no assertion criteria provided. Collection method: clinical testing. Allele origin: germline. Not counted in ClinVar's aggregate classification.
Comment: This variant is classified as likely benign based on ACMG/AMP sequence variant interpretation guidelines (Richards et al. 2015 PMID: 25741868, with internal and published modifications).

NM_015338.6(ASXL1):c.3933T>C (p.Ala1311=)

Gene: ASXL1 (ASXL transcriptional regulator 1; plus strand). Cytogenetic location: 20q11.21.
Variant type: single nucleotide variant.
Coding change: c.3933T>C on transcript NM_015338.6 (MANE Select); coding-DNA position 3933, T replaced by C.
Protein change: p.Ala1311=; no amino-acid change (alanine 1311 retained).
Molecular consequence: synonymous variant.
Genome position (GRCh38, 1-based): chr20:32,436,645, T>C. VCF-style: chr20-32436645-T-C. GRCh37 (hg19) VCF-style: chr20-31024448-T-C.
Other names: c.3750T>C, p.Ala1250= (NM_001363734.1).
Identifiers: ClinVar variation 742129 (VCV000742129.14), dbSNP rs143779557, ClinGen allele CA9808927.